The following is an entry in ClinVar:

ClinVar aggregate classification (germline): Likely benign. Review status: criteria provided, multiple submitters, no conflicts (2 of 4 stars). 5 submissions from 5 submitters: Likely benign (4). 1 of the submissions does not count toward it. Last evaluated 2026-02-04.

Conditions:
Hereditary cancer-predisposing syndrome. Also called: Tumor predisposition; Neoplastic Syndromes, Hereditary; Hereditary Cancer Syndrome; Hereditary neoplastic syndrome. Identifiers: Orphanet 140162, MedGen C0027672, MeSH D009386, MONDO:0015356.
Colorectal cancer, susceptibility to, 12 (CRCS12). Also called: COLORECTAL CANCER, SUSCEPTIBILITY TO, ON CHROMOSOME 12q24. Identifiers: Orphanet 220460, MedGen C3554460, MONDO:0014038, OMIM 615083.

Allele frequency attached by ClinVar (database versions not stated): gnomAD exomes 0.00002 and 0.00005; ExAC 0.00003; gnomAD 0.00009 and 0.00010; TOPMed 0.00010.
gnomAD v4.1: 62 of 1,608,180 alleles (0.0039%); highest among the groups gnomAD compares: Admixed American, 0.04%; no homozygotes.

Submissions (5):

Ambry Genetics
Classification: Likely benign for Hereditary cancer-predisposing syndrome. Last evaluated: 2026-02-04. Review status: criteria provided, single submitter. Criteria: Ambry Variant Classification Scheme 2023. Collection method: clinical testing. Allele origin: germline.

Labcorp Genetics (formerly Invitae), Labcorp
Classification: Likely benign. Last evaluated: 2025-12-29. Review status: criteria provided, single submitter. Criteria: Invitae Variant Classification Sherloc (09022015). Collection method: clinical testing. Allele origin: germline.

Blueprint Genetics
Classification: Likely benign. Last evaluated: 2024-09-06. Review status: criteria provided, single submitter. Criteria: ACMG Guidelines, 2015. Collection method: clinical testing. Allele origin: germline.

GeneDx
Classification: Likely benign. Last evaluated: 2016-12-02. Review status: criteria provided, single submitter. Criteria: GeneDx Variant Classification (06012015). Collection method: clinical testing. Allele origin: germline. Affected: yes.
Comment: This variant is considered likely benign or benign based on one or more of the following criteria: it is a conservative change, it occurs at a poorly conserved position in the protein, it is predicted to be benign by multiple in silico algorithms, and/or has population frequency not consistent with disease.

Counsyl
Classification: Likely benign for Colorectal cancer, susceptibility to, 12. Last evaluated: 2016-08-23. Review status: no assertion criteria provided. Collection method: clinical testing. Allele origin: unknown. Not counted in ClinVar's aggregate classification.

NM_006231.4(POLE):c.4005+20G>A

Gene: POLE (DNA polymerase epsilon, catalytic subunit; minus strand). Cytogenetic location: 12q24.33.
Variant type: single nucleotide variant.
Coding change: c.4005+20G>A on transcript NM_006231.4 (MANE Select); 20 bases into the intron after coding-DNA position 4005, G replaced by A.
Molecular consequence: intron variant.
Genome position (GRCh38, 1-based): chr12:132,649,286, C>T on the plus strand (G>A on the coding strand, the complement: POLE is on the minus strand). VCF-style: chr12-132649286-C-T. GRCh37 (hg19) VCF-style: chr12-133225872-C-T.
Identifiers: ClinVar variation 371932 (VCV000371932.13), dbSNP rs775205537, ClinGen allele CA6893032.
Genomic context (GRCh38, chr12:132,649,286, plus strand): 5'-AGACCTCAGGGCCCAGCTGGACACCCCCTCCCTGGGCCATCAGCAGAGCCACTGCCCTCC[C>T]CTTGGATCAAGGTCTATACCTGCACAATCTGCCACGGAAGGTCCAGGATGCTGCGGGCAG-3'